The following is an entry in ClinVar:

NM_000702.4(ATP1A2):c.158A>G (p.Tyr53Cys)

Gene: ATP1A2 (ATPase Na+/K+ transporting subunit alpha 2; plus strand). Cytogenetic location: 1q23.2.
Variant type: single nucleotide variant.
Coding change: c.158A>G on transcript NM_000702.4 (MANE Select); coding-DNA position 158, A replaced by G.
Protein change: p.Tyr53Cys; replaces tyrosine 53 with cysteine.
Molecular consequence: missense variant.
Genome position (GRCh38, 1-based): chr1:160,121,232, A>G. VCF-style: chr1-160121232-A-G. GRCh37 (hg19) VCF-style: chr1-160091022-A-G.
Other names: short protein forms Y53C.
Identifiers: ClinVar variation 2147896 (VCV002147896.5), dbSNP rs1651387702, ClinGen allele CA343228765.

ClinVar aggregate classification (germline): Uncertain significance. Review status: criteria provided, multiple submitters, no conflicts (2 of 4 stars). 2 submissions from 2 submitters: Uncertain significance (2). Last evaluated 2024-11-15.

Conditions:
Familial hemiplegic migraine. Identifiers: MedGen C0338484, MONDO:0000700.

Allele frequency attached by ClinVar (database versions not stated): gnomAD exomes below 0.00001; TOPMed below 0.00001; gnomAD 0.00001.
gnomAD v4.1: 2 of 1,614,100 alleles (0.00012%); highest among the groups gnomAD compares: Non-Finnish European, 0.00017%; no homozygotes.

Submissions (2):

Labcorp Genetics (formerly Invitae), Labcorp
Classification: Uncertain significance for Familial hemiplegic migraine. Last evaluated: 2024-11-15. Review status: criteria provided, single submitter. Criteria: Invitae Variant Classification Sherloc (09022015). Collection method: clinical testing. Allele origin: germline.
Comment: This sequence change replaces tyrosine, which is neutral and polar, with cysteine, which is neutral and slightly polar, at codon 53 of the ATP1A2 protein (p.Tyr53Cys). This variant is not present in population databases (gnomAD no frequency). This variant has not been reported in the literature in individuals affected with ATP1A2-related conditions. ClinVar contains an entry for this variant (Variation ID: 2147896). Invitae Evidence Modeling of protein sequence and biophysical properties (such as structural, functional, and spatial information, amino acid conservation, physicochemical variation, residue mobility, and thermodynamic stability) indicates that this missense variant is not expected to disrupt ATP1A2 protein function with a negative predictive value of 80%. In summary, the available evidence is currently insufficient to determine the role of this variant in disease. Therefore, it has been classified as a Variant of Uncertain Significance.

GeneDx
Classification: Uncertain significance. Last evaluated: 2024-08-29. Review status: criteria provided, single submitter. Criteria: GeneDx Variant Classification Process June 2021. Collection method: clinical testing. Allele origin: germline. Affected: yes.
Comment: Not observed at significant frequency in large population cohorts (gnomAD); In silico analysis supports that this missense variant has a deleterious effect on protein structure/function; Has not been previously published as pathogenic or benign to our knowledge